The following is an entry in ClinVar:

ClinVar aggregate classification (germline): Conflicting classifications of pathogenicity. Review status: criteria provided, conflicting classifications (1 of 4 stars). 4 submissions from 4 submitters: Uncertain significance (1); Likely benign (3). Last evaluated 2026-01-21.

Conditions:
Congenital stationary night blindness 1E. Also called: Night blindness, congenital stationary (complete), 1E, autosomal recessive. Identifiers: Orphanet 215, MedGen C3281215, MONDO:0013807, OMIM 614565.
GPR179-related disorder. Also called: GPR179-related condition.

Allele frequency attached by ClinVar (database versions not stated): 1000 Genomes Project 0.00060; gnomAD 0.00061 and 0.00067; 1000 Genomes Project 30x 0.00062; TOPMed 0.00085; ESP Exome Variant Server 0.00090.
gnomAD v4.1: 190 of 1,607,994 alleles (0.012%); highest among the groups gnomAD compares: African/African-American, 0.22%; 1 homozygote.

Submissions (4):

Labcorp Genetics (formerly Invitae), Labcorp
Classification: Likely benign. Last evaluated: 2026-01-21. Review status: criteria provided, single submitter. Criteria: Invitae Variant Classification Sherloc (09022015). Collection method: clinical testing. Allele origin: germline.

PreventionGenetics, part of Exact Sciences
Classification: Likely benign for GPR179-related condition. Last evaluated: 2024-11-14. Review status: criteria provided, single submitter. Criteria: ACMG Guidelines, 2015. Collection method: clinical testing. Allele origin: germline.
Comment: This variant is classified as likely benign based on ACMG/AMP sequence variant interpretation guidelines (Richards et al. 2015 PMID: 25741868, with internal and published modifications).

Blueprint Genetics
Classification: Likely benign. Last evaluated: 2024-10-28. Review status: criteria provided, single submitter. Criteria: ACMG Guidelines, 2015. Collection method: clinical testing. Allele origin: germline.

Illumina Laboratory Services, Illumina
Classification: Uncertain significance for Congenital stationary night blindness 1E. Last evaluated: 2018-01-12. Review status: criteria provided, single submitter. Criteria: ICSL Variant Classification Criteria 13 December 2019. Collection method: clinical testing. Allele origin: germline.

NM_001004334.4(GPR179):c.976G>A (p.Ala326Thr)

Gene: GPR179 (G protein-coupled receptor 179; minus strand). Cytogenetic location: 17q12.
Variant type: single nucleotide variant.
Coding change: c.976G>A on transcript NM_001004334.4 (MANE Select); coding-DNA position 976, G replaced by A.
Protein change: p.Ala326Thr; replaces alanine 326 with threonine.
Molecular consequence: missense variant.
Genome position (GRCh38, 1-based): chr17:38,337,648, C>T on the plus strand (G>A on the coding strand, the complement: GPR179 is on the minus strand). VCF-style: chr17-38337648-C-T. GRCh37 (hg19) VCF-style: chr17-36493531-C-T.
Other names: c.976G>A (NM_001004334.3); short protein forms A326T.
Identifiers: ClinVar variation 891152 (VCV000891152.13), dbSNP rs201963254, ClinGen allele CA290109620.
Genomic context (GRCh38, chr17:38,337,648, plus strand): 5'-CCTCTCATGTAAAACACATGCCTGGCCCCCACCACACTTACATACCCCCAGAGGGGCTTG[C>T]CCCGTAGAATCCAGGTCGGCAGCGGCAGAGGTAGCGGCCAAGAACAAAGCCCTGACTCTC-3'
Protein context (NP_001004334.3, residues 316-336): LCRCRPGFYG[Ala326Thr]SPSGGLEESD